The following is an entry in ClinVar:

NM_000733.4(CD3E):c.542C>G (p.Pro181Arg)

Gene: CD3E (CD3 epsilon subunit of T-cell receptor complex; plus strand). Cytogenetic location: 11q23.3.
Variant type: single nucleotide variant.
Coding change: c.542C>G on transcript NM_000733.4 (MANE Select); coding-DNA position 542, C replaced by G.
Protein change: p.Pro181Arg; replaces proline 181 with arginine.
Molecular consequence: missense variant.
Genome position (GRCh38, 1-based): chr11:118,314,469, C>G. VCF-style: chr11-118314469-C-G. GRCh37 (hg19) VCF-style: chr11-118185184-C-G.
Other names: short protein forms P181R.
Identifiers: ClinVar variation 1375041 (VCV001375041.7), dbSNP rs2134768706, ClinGen allele CA382785040.

ClinVar aggregate classification (germline): Uncertain significance (1 of 4 stars; one submission).

Conditions:
Immunodeficiency 18 (IMD18). Also called: CD3-EPSILON DEFICIENCY; CD3epsilon deficiency. Identifiers: MedGen C3810127, MONDO:0014278, OMIM 615615.

Submission:

Labcorp Genetics (formerly Invitae), Labcorp
Classification: Uncertain significance for Immunodeficiency 18. Last evaluated: 2022-08-09. Review status: criteria provided, single submitter. Criteria: Invitae Variant Classification Sherloc (09022015). Collection method: clinical testing. Allele origin: germline.
Comment: In summary, the available evidence is currently insufficient to determine the role of this variant in disease. Therefore, it has been classified as a Variant of Uncertain Significance. Algorithms developed to predict the effect of missense changes on protein structure and function (SIFT, PolyPhen-2, Align-GVGD) all suggest that this variant is likely to be disruptive. ClinVar contains an entry for this variant (Variation ID: 1375041). This variant has not been reported in the literature in individuals affected with CD3E-related conditions. This variant is not present in population databases (gnomAD no frequency). This sequence change replaces proline, which is neutral and non-polar, with arginine, which is basic and polar, at codon 181 of the CD3E protein (p.Pro181Arg).